The following is an entry in ClinVar:

ClinVar aggregate classification (germline): Likely benign. Review status: criteria provided, multiple submitters, no conflicts (2 of 4 stars). 3 submissions from 3 submitters: Likely benign (3). Last evaluated 2026-01-26.

Conditions:
Hereditary spastic paraplegia 43. Also called: Spastic paraplegia 43, autosomal recessive. Identifiers: Orphanet 320370, MedGen C2680446, MONDO:0014024, OMIM 615043.

Allele frequency attached by ClinVar (database versions not stated): ExAC 0.00001; gnomAD exomes 0.00002; gnomAD 0.00004; TOPMed 0.00005.
gnomAD v4.1: 35 of 1,614,044 alleles (0.0022%); highest among the groups gnomAD compares: Admixed American, 0.005%; no homozygotes.

Submissions (3):

Labcorp Genetics (formerly Invitae), Labcorp
Classification: Likely benign for Hereditary spastic paraplegia 43. Last evaluated: 2026-01-26. Review status: criteria provided, single submitter. Criteria: Invitae Variant Classification Sherloc (09022015). Collection method: clinical testing. Allele origin: germline.

CeGaT Center for Human Genetics Tuebingen
Classification: Likely benign. Last evaluated: 2022-09-01. Review status: criteria provided, single submitter. Criteria: CeGaT Center For Human Genetics Tuebingen Variant Classification Criteria Version 2. Collection method: clinical testing. Allele origin: germline. Affected: yes. Observed: 1 variant allele.
Comment: C19orf12: BP4, BP7

GeneDx
Classification: Likely benign. Last evaluated: 2017-12-13. Review status: criteria provided, single submitter. Criteria: GeneDx Variant Classification (06012015). Collection method: clinical testing. Allele origin: germline. Affected: yes.
Comment: This variant is considered likely benign or benign based on one or more of the following criteria: it is a conservative change, it occurs at a poorly conserved position in the protein, it is predicted to be benign by multiple in silico algorithms, and/or has population frequency not consistent with disease.

NM_031448.6(C19orf12):c.249C>T (p.Ala83=)

Gene: C19orf12 (chromosome 19 open reading frame 12; minus strand). Cytogenetic location: 19q12.
Variant type: single nucleotide variant.
Coding change: c.249C>T on transcript NM_031448.6 (MANE Select); coding-DNA position 249, C replaced by T.
Protein change: p.Ala83=; no amino-acid change (alanine 83 retained).
Molecular consequence: synonymous variant.
Genome position (GRCh38, 1-based): chr19:29,702,889, G>A on the plus strand (C>T on the coding strand, the complement: C19orf12 is on the minus strand). VCF-style: chr19-29702889-G-A. GRCh37 (hg19) VCF-style: chr19-30193796-G-A.
Other names: c.249C>T, p.Ala83= (NM_001031726.4, NM_001256046.3, NM_001256047.2); c.57C>T, p.Ala19= (NM_001282929.1, NM_001282930.3, NM_001282931.3).
Identifiers: ClinVar variation 513585 (VCV000513585.35), dbSNP rs762174442, ClinGen allele CA9351902.
Genomic context (GRCh38, chr19:29,702,889, plus strand): 5'-GTCCGTCCACTCCAGGTGCCTGATGATGGCTGCGGCTTCGTTAAAGAGCCTCTGTTGCTC[G>A]GCAGGGGGCAGCTCCATTAGGATCTGAGGAACCGGCTTAAACTGTCCACTTGTCATCCAG-3'
Protein context (NP_113636.2, residues 73-93): VPQILMELPP[Ala83=]EQQRLFNEAA